The following is an entry in ClinVar:

ClinVar aggregate classification (germline): Likely benign (1 of 4 stars; one submission).

Allele frequency attached by ClinVar (database versions not stated): gnomAD exomes 0.00011; gnomAD 0.00015; TOPMed 0.00017.

Submission:

CeGaT Center for Human Genetics Tuebingen
Classification: Likely benign. Last evaluated: 2022-11-01. Review status: criteria provided, single submitter. Criteria: CeGaT Center For Human Genetics Tuebingen Variant Classification Criteria Version 2. Collection method: clinical testing. Allele origin: germline. Affected: yes. Observed: 1 variant allele.
Comment: FAM47C: BS2

NC_000023.11:g.37043344G>A

Gene: FAM47C (family with sequence similarity 47 member C; plus strand). Cytogenetic location: Xp21.1.
Variant type: single nucleotide variant.
Molecular consequence: non-coding transcript variant (on NR_171164.1).
Genome position: GRCh38 VCF-style: chrX-37043344-G-A. GRCh37 (hg19) VCF-style: chrX-37061417-G-A.
Identifiers: ClinVar variation 2660278 (VCV002660278.24), dbSNP rs112906128, ClinGen allele CA328929601.